The following is an entry in ClinVar:

NM_001267550.2(TTN):c.12255T>C (p.Ile4085=)

Gene: TTN (titin; minus strand). Cytogenetic location: 2q31.2.
Variant type: single nucleotide variant.
Coding change: c.12255T>C on transcript NM_001267550.2 (MANE Select); coding-DNA position 12255, T replaced by C.
Protein change: p.Ile4085=; no amino-acid change (isoleucine 4085 retained).
Molecular consequence: synonymous variant. On other transcripts: intron variant (1).
Genome position (GRCh38, 1-based): chr2:178,740,978, A>G on the plus strand (T>C on the coding strand, the complement: TTN is on the minus strand). VCF-style: chr2-178740978-A-G. GRCh37 (hg19) VCF-style: chr2-179605705-A-G.
Other names: p.I3768I:ATT>ATC; p.Ile3768=; c.11304T>C, p.Ile3768= (NM_001256850.1); c.11166T>C, p.Ile3722= (NM_003319.4); c.11541T>C, p.Ile3847= (NM_133432.3); c.11742T>C, p.Ile3914= (NM_133437.4); c.10361-2618T>C (NM_133378.4).
Identifiers: ClinVar variation 47824 (VCV000047824.24), dbSNP rs2742357, ClinGen allele CA284541.

ClinVar aggregate classification (germline): Benign. Review status: criteria provided, multiple submitters, no conflicts (2 of 4 stars). 12 submissions from 9 submitters: Benign (12). Last evaluated 2026-02-04.

Conditions:
Dilated cardiomyopathy 1G (CMD1G). Identifiers: Orphanet 154, MedGen C1858763, MONDO:0011400, OMIM 604145.
Autosomal recessive limb-girdle muscular dystrophy type 2J (LGMDR10). Also called: MUSCULAR DYSTROPHY, LIMB-GIRDLE, AUTOSOMAL RECESSIVE 10; Limb-girdle muscular dystrophy, type 2J. Identifiers: Orphanet 140922, MedGen C1837342, MONDO:0012127, OMIM 608807.
Cardiovascular phenotype. Identifiers: MedGen CN230736.
Early-onset myopathy with fatal cardiomyopathy (CMYO5). Also called: CONGENITAL MYOPATHY 5 WITH CARDIOMYOPATHY; Salih Myopathy. Identifiers: Orphanet 289377, MedGen C2673677, MONDO:0012714, OMIM 611705. Disease mechanism: loss of function.
Myopathy, myofibrillar, 9, with early respiratory failure (MFM9). Also called: Myopathy, distal, with early respiratory failure, autosomal dominant; Hereditary myopathy with early respiratory failure; MYOPATHY, PROXIMAL, WITH EARLY RESPIRATORY MUSCLE INVOLVEMENT; EDSTROM MYOPATHY. Identifiers: Orphanet 178464, Orphanet 34521, MedGen C1863599, MONDO:0011362, OMIM 603689.
Tibial muscular dystrophy (TMD). Also called: Udd Distal Myopathy – Tibial Muscular Dystrophy; Tibial muscular dystrophy, tardive; UDD MYOPATHY. Identifiers: Orphanet 609, MedGen C1838244, MONDO:0010870, OMIM 600334.

Allele frequency attached by ClinVar (database versions not stated): gnomAD 0.05006 and 0.04800; ExAC 0.07229; gnomAD exomes 0.05304 and 0.07979; TOPMed 0.06095; ESP Exome Variant Server 0.03440; 1000 Genomes Project 0.07608; 1000 Genomes Project 30x 0.07636.
gnomAD v4.1: 85,059 of 1,613,866 alleles (5.3%); highest among the groups gnomAD compares: Admixed American, 21%; 3,840 homozygotes.

Submissions (12):

Labcorp Genetics (formerly Invitae), Labcorp
Classification: Benign for Dilated cardiomyopathy 1G; Autosomal recessive limb-girdle muscular dystrophy type 2J. Last evaluated: 2026-02-04. Review status: criteria provided, single submitter. Criteria: Invitae Variant Classification Sherloc (09022015). Collection method: clinical testing. Allele origin: germline.

Molecular Diagnostic Laboratory for Inherited Cardiovascular Disease, Montreal Heart Institute
Classification: Benign. Last evaluated: 2025-04-09. Review status: criteria provided, single submitter. Criteria: ACMG Guidelines, 2015. Collection method: clinical testing. Allele origin: germline. Affected: no.

Genome-Nilou Lab
Classification: Benign for Autosomal recessive limb-girdle muscular dystrophy type 2J. Last evaluated: 2021-09-10. Review status: criteria provided, single submitter. Criteria: ACMG Guidelines, 2015. Collection method: clinical testing. Allele origin: germline. Affected: no.

Genome-Nilou Lab
Classification: Benign for Myopathy, myofibrillar, 9, with early respiratory failure. Last evaluated: 2021-09-10. Review status: criteria provided, single submitter. Criteria: ACMG Guidelines, 2015. Collection method: clinical testing. Allele origin: germline. Affected: no.

Genome-Nilou Lab
Classification: Benign for Early-onset myopathy with fatal cardiomyopathy. Last evaluated: 2021-09-10. Review status: criteria provided, single submitter. Criteria: ACMG Guidelines, 2015. Collection method: clinical testing. Allele origin: germline. Affected: no.

Genome-Nilou Lab
Classification: Benign for Tibial muscular dystrophy. Last evaluated: 2021-09-10. Review status: criteria provided, single submitter. Criteria: ACMG Guidelines, 2015. Collection method: clinical testing. Allele origin: germline. Affected: no.

Ambry Genetics
Classification: Benign for Cardiovascular phenotype. Last evaluated: 2015-04-20. Review status: criteria provided, single submitter. Criteria: Ambry Variant Classification Scheme 2023. Collection method: clinical testing. Allele origin: germline.

Mayo Clinic Laboratories, Mayo Clinic
Classification: Benign. Last evaluated: 2014-08-06. Review status: criteria provided, single submitter. Criteria: ACMG Guidelines, 2015. Collection method: clinical testing. Allele origin: germline. Observed: 178 variant alleles.

GeneDx
Classification: Benign. Last evaluated: 2012-10-19. Review status: criteria provided, single submitter. Criteria: GeneDx Variant Classification (06012015). Collection method: clinical testing. Allele origin: germline. Affected: yes.
Comment: This variant is considered likely benign or benign based on one or more of the following criteria: it is a conservative change, it occurs at a poorly conserved position in the protein, it is predicted to be benign by multiple in silico algorithms, and/or has population frequency not consistent with disease.

Laboratory for Molecular Medicine, Mass General Brigham Personalized Medicine
Classification: Benign. Last evaluated: 2012-03-20. Review status: criteria provided, single submitter. Criteria: LMM Criteria. Collection method: clinical testing. Allele origin: germline. Observed: 167 variant alleles.

Breakthrough Genomics
Classification: Benign. Review status: criteria provided, single submitter. Criteria: ACMG Guidelines, 2015. Collection method: not provided. Allele origin: germline. Inheritance: Autosomal recessive inheritance. Affected: yes.

PreventionGenetics, part of Exact Sciences
Classification: Benign. Review status: criteria provided, single submitter. Criteria: ACMG Guidelines, 2015. Collection method: clinical testing. Allele origin: germline.